The following is an entry in ClinVar:

NM_000466.3(PEX1):c.2268dup (p.Leu757fs)

Gene: PEX1 (peroxisomal biogenesis factor 1; minus strand). Cytogenetic location: 7q21.2.
Variant type: Duplication.
Coding change: c.2268dup on transcript NM_000466.3 (MANE Select); coding-DNA position 2268, one base duplicated (A; older notation c.2268dupA).
Protein change: p.Leu757fs; shifts the reading frame from leucine 757.
Molecular consequence: frameshift variant.
Genome position (GRCh38, 1-based): chr7:92,502,038, T duplicated on the plus strand (A on the coding strand, the reverse complement: PEX1 is on the minus strand); the first of 3 consecutive T bases (chr7:92,502,038-92,502,040); duplicating any one gives the same sequence. VCF-style (leftmost placement, unchanged base first): chr7-92502037-A-AT. GRCh37 (hg19) VCF-style: chr7-92131351-A-AT.
Other names: c.2097dup, p.Leu700fs (NM_001282677.2); c.1644dup, p.Leu549fs (NM_001282678.2); short protein forms L549fs, L700fs, L757fs.
Identifiers: ClinVar variation 2020890 (VCV002020890.4), dbSNP rs2484661912, ClinGen allele CA2580077811.

ClinVar aggregate classification (germline): Pathogenic (1 of 4 stars; one submission).

Conditions:
Zellweger spectrum disorders (ZS). Also called: Zellweger Spectrum Disorder; Zellweger Spectrum; Zellweger Spectrum Disorder (ZSD); Zellweger syndrome. Identifiers: Orphanet 912, MedGen C0043459, MONDO:0019609.

Submission:

Labcorp Genetics (formerly Invitae), Labcorp
Classification: Pathogenic for Zellweger spectrum disorders. Last evaluated: 2022-07-31. Review status: criteria provided, single submitter. Criteria: Invitae Variant Classification Sherloc (09022015). Collection method: clinical testing. Allele origin: germline.
Comment: For these reasons, this variant has been classified as Pathogenic. This variant has not been reported in the literature in individuals affected with PEX1-related conditions. This variant is not present in population databases (gnomAD no frequency). This sequence change creates a premature translational stop signal (p.Leu757Ilefs*4) in the PEX1 gene. It is expected to result in an absent or disrupted protein product. Loss-of-function variants in PEX1 are known to be pathogenic (PMID: 9398847, 16086329, 16141001, 21031596, 26387595, 31831025).

Literature cited by the submitters: PubMed 9398847; PubMed 16086329; PubMed 16141001; PubMed 21031596; PubMed 26387595; PubMed 31831025.